The following is an entry in ClinVar:

NM_015450.3(POT1):c.313A>G (p.Thr105Ala)

Gene: POT1 (protection of telomeres 1; minus strand). Cytogenetic location: 7q31.33.
Variant type: single nucleotide variant.
Coding change: c.313A>G on transcript NM_015450.3 (MANE Select); coding-DNA position 313, A replaced by G.
Protein change: p.Thr105Ala; replaces threonine 105 with alanine.
Molecular consequence: missense variant. On other transcripts: 5 prime UTR variant (1), non-coding transcript variant (3).
Genome position (GRCh38, 1-based): chr7:124,863,583, T>C on the plus strand (A>G on the coding strand, the complement: POT1 is on the minus strand). VCF-style: chr7-124863583-T-C. GRCh37 (hg19) VCF-style: chr7-124503637-T-C.
Other names: c.-81A>G (NM_001042594.2); short protein forms T105A.
Identifiers: ClinVar variation 960960 (VCV000960960.10), dbSNP rs1795651629, ClinGen allele CA369060213.
Genomic context (GRCh38, chr7:124,863,583, plus strand): 5'-AGTTAAAATACTTGCTTGAAGTGCGAGGTATGATAGGGGCTCCCAAAGTTCCCTCAAACG[T>C]CAAAGATGCAAAGCCAGAGCTGGTGATACCCTGAGTCTCCTTTTTATATACTTGAATCTA-3'
Protein context (NP_056265.2, residues 95-115): GITSSGFASL[Thr105Ala]FEGTLGAPII

ClinVar aggregate classification (germline): Uncertain significance (1 of 4 stars; one submission).

Conditions:
Tumor predisposition syndrome 3 (TPDS3). Also called: Melanoma, cutaneous malignant, susceptibility to, 10; Glioma susceptibility 9; LONG TELOMERE SYNDROME, POT1-RELATED; POT1 Tumor Predisposition. Identifiers: Orphanet 618, MedGen C4014476, MONDO:0014368, OMIM 615848.

Submission:

Labcorp Genetics (formerly Invitae), Labcorp
Classification: Uncertain significance for Tumor predisposition syndrome 3. Last evaluated: 2025-03-21. Review status: criteria provided, single submitter. Criteria: Invitae Variant Classification Sherloc (09022015). Collection method: clinical testing. Allele origin: germline.
Comment: This sequence change replaces threonine, which is neutral and polar, with alanine, which is neutral and non-polar, at codon 105 of the POT1 protein (p.Thr105Ala). This variant is not present in population databases (gnomAD no frequency). This variant has not been reported in the literature in individuals affected with POT1-related conditions. ClinVar contains an entry for this variant (Variation ID: 960960). Invitae Evidence Modeling of protein sequence and biophysical properties (such as structural, functional, and spatial information, amino acid conservation, physicochemical variation, residue mobility, and thermodynamic stability) indicates that this missense variant is not expected to disrupt POT1 protein function with a negative predictive value of 80%. In summary, the available evidence is currently insufficient to determine the role of this variant in disease. Therefore, it has been classified as a Variant of Uncertain Significance.